The following is an entry in ClinVar:

NM_001367561.1(DOCK7):c.5357C>T (p.Ser1786Phe)

Gene: DOCK7 (dedicator of cytokinesis 7; minus strand). Cytogenetic location: 1p31.3.
Variant type: single nucleotide variant.
Coding change: c.5357C>T on transcript NM_001367561.1 (MANE Select); coding-DNA position 5357, C replaced by T.
Protein change: p.Ser1786Phe; replaces serine 1786 with phenylalanine.
Molecular consequence: missense variant.
Genome position (GRCh38, 1-based): chr1:62,492,708, G>A on the plus strand (C>T on the coding strand, the complement: DOCK7 is on the minus strand). VCF-style: chr1-62492708-G-A. GRCh37 (hg19) VCF-style: chr1-62958379-G-A.
Other names: c.5330C>T, p.Ser1777Phe (NM_001271999.2, NM_001330614.2); c.5237C>T, p.Ser1746Phe (NM_001272000.2, NM_001272001.2); c.5264C>T, p.Ser1755Phe (NM_033407.4); short protein forms S1746F, S1755F, S1777F, S1786F.
Identifiers: ClinVar variation 1039295 (VCV001039295.6), dbSNP rs764567672, ClinGen allele CA885497.

ClinVar aggregate classification (germline): Uncertain significance (1 of 4 stars; one submission).

Conditions:
Developmental and epileptic encephalopathy, 23 (DEE23). Also called: Epileptic encephalopathy, early infantile, 23. Identifiers: Orphanet 411986, MedGen C4014492, MONDO:0014371, OMIM 615859.

Allele frequency attached by ClinVar (database versions not stated): gnomAD exomes 0.00001; ExAC 0.00002.
gnomAD v4.1: 3 of 1,614,026 alleles (0.00019%); highest among the groups gnomAD compares: Admixed American, 0.0017%; no homozygotes.

Submission:

Labcorp Genetics (formerly Invitae), Labcorp
Classification: Uncertain significance for Developmental and epileptic encephalopathy, 23. Last evaluated: 2021-09-01. Review status: criteria provided, single submitter. Criteria: Invitae Variant Classification Sherloc (09022015). Collection method: clinical testing. Allele origin: germline.
Comment: This sequence change replaces serine with phenylalanine at codon 1777 of the DOCK7 protein (p.Ser1777Phe). The serine residue is highly conserved and there is a large physicochemical difference between serine and phenylalanine. This variant is present in population databases (rs764567672, ExAC 0.003%). This variant has not been reported in the literature in individuals affected with DOCK7-related conditions. Algorithms developed to predict the effect of missense changes on protein structure and function are either unavailable or do not agree on the potential impact of this missense change (SIFT: "Deleterious"; PolyPhen-2: "Possibly Damaging"; Align-GVGD: "Class C15"). In summary, the available evidence is currently insufficient to determine the role of this variant in disease. Therefore, it has been classified as a Variant of Uncertain Significance.